The following is an entry in ClinVar:

ClinVar aggregate classification (germline): Pathogenic. Review status: reviewed by expert panel (3 of 4 stars). 5 submissions from 5 submitters: Pathogenic (1). 4 of the submissions do not count toward it. Last evaluated 2016-10-18.

Conditions:
Hereditary breast ovarian cancer syndrome. Also called: Hereditary breast and ovarian cancer; Hereditary breast and ovarian cancer syndrome (HBOC); Hereditary breast and/or ovarian cancer syndrome; Breast and ovarian cancer; Hereditary breast and ovarian cancer syndrome; BRCA1- and BRCA2-Associated Hereditary Breast and Ovarian Cancer. Identifiers: Orphanet 145, MedGen C0677776, MeSH D061325, MONDO:0003582. Disease mechanism: loss of function.
Hereditary cancer-predisposing syndrome. Also called: Tumor predisposition; Neoplastic Syndromes, Hereditary; Hereditary neoplastic syndrome; Hereditary Cancer Syndrome. Identifiers: Orphanet 140162, MedGen C0027672, MeSH D009386, MONDO:0015356.
Breast-ovarian cancer, familial, susceptibility to, 2 (BROVCA2). Also called: BRCA2 Hereditary Breast and Ovarian Cancer. Identifiers: Orphanet 145, MedGen C2675520, MONDO:0012933, OMIM 612555. Disease mechanism: loss of function.

Submissions (5):

Evidence-based Network for the Interpretation of Germline Mutant Alleles (ENIGMA)
Classification: Pathogenic for Breast-ovarian cancer, familial, susceptibility to, 2. Last evaluated: 2016-10-18. Review status: reviewed by expert panel. Criteria: ENIGMA BRCA1/2 Classification Criteria (2015). Collection method: curation. Allele origin: germline.
Comment: Variant allele predicted to encode a truncated non-functional protein.

Labcorp Genetics (formerly Invitae), Labcorp
Classification: Pathogenic for Hereditary breast ovarian cancer syndrome. Last evaluated: 2021-12-29. Review status: criteria provided, single submitter. Criteria: Invitae Variant Classification Sherloc (09022015). Collection method: clinical testing. Allele origin: germline. Not counted in ClinVar's aggregate classification.
Comment: ClinVar contains an entry for this variant (Variation ID: 266729). This premature translational stop signal has been observed in individual(s) with breast cancer (PMID: 30014164). This variant is not present in population databases (gnomAD no frequency). This sequence change creates a premature translational stop signal (p.Asn987Lysfs*2) in the BRCA2 gene. It is expected to result in an absent or disrupted protein product. Loss-of-function variants in BRCA2 are known to be pathogenic (PMID: 20104584). For these reasons, this variant has been classified as Pathogenic.

Ambry Genetics
Classification: Pathogenic for Hereditary cancer-predisposing syndrome. Last evaluated: 2021-03-29. Review status: criteria provided, single submitter. Criteria: Ambry Variant Classification Scheme 2023. Collection method: clinical testing. Allele origin: germline. Not counted in ClinVar's aggregate classification.
Comment: The c.2960dupA pathogenic mutation, located in coding exon 10 of the BRCA2 gene, results from a duplication of A at nucleotide position 2960, causing a translational frameshift with a predicted alternate stop codon (p.N987Kfs*2). This alteration was also identified in a large, worldwide study of BRCA1/2 mutation positive families (Rebbeck TR et al. Hum Mutat, 2018 05;39:593-620). In addition to the clinical data presented in the literature, this alteration is expected to result in loss of function by premature protein truncation or nonsense-mediated mRNA decay. As such, this alteration is interpreted as a disease-causing mutation.

Color Diagnostics, LLC DBA Color Health
Classification: Pathogenic for Hereditary cancer-predisposing syndrome. Last evaluated: 2020-06-03. Review status: criteria provided, single submitter. Criteria: ACMG Guidelines, 2015. Collection method: clinical testing. Allele origin: germline. Not counted in ClinVar's aggregate classification.
Comment: This variant inserts 1 nucleotide in exon 11 of the BRCA2 gene, creating a frameshift and premature translation stop signal. This variant is expected to result in an absent or non-functional protein product. To our knowledge, this variant has not been reported in individuals affected with hereditary cancer in the literature. This variant has not been identified in the general population by the Genome Aggregation Database (gnomAD). Loss of BRCA2 function is a known mechanism of disease. Based on the available evidence, this variant is classified as Pathogenic.

Consortium of Investigators of Modifiers of BRCA1/2 (CIMBA), c/o University of Cambridge
Classification: Pathogenic for Breast-ovarian cancer, familial, susceptibility to, 2. Last evaluated: 2015-10-02. Review status: criteria provided, single submitter. Criteria: CIMBA Mutation Classification guidelines May 2016. Collection method: clinical testing. Allele origin: germline. Not counted in ClinVar's aggregate classification.

Literature cited by the submitters: PubMed 30014164 (cited by Labcorp Genetics (formerly Invitae), Labcorp and Ambry Genetics); PubMed 20104584 (cited by Labcorp Genetics (formerly Invitae), Labcorp); PubMed 29446198 (cited by Ambry Genetics).

NM_000059.4(BRCA2):c.2960dup (p.Asn987fs)

Gene: BRCA2 (BRCA2 DNA repair associated; plus strand). Cytogenetic location: 13q13.1.
Variant type: Duplication.
Coding change: c.2960dup on transcript NM_000059.4 (MANE Select); coding-DNA position 2960, one base duplicated (A; older notation c.2960dupA).
Protein change: p.Asn987fs; shifts the reading frame from asparagine 987.
Molecular consequence: frameshift variant.
Genome position (GRCh38, 1-based): chr13:32,337,315, A duplicated; the last of 2 consecutive A bases (chr13:32,337,314-32,337,315); duplicating either gives the same sequence. VCF-style (leftmost placement, unchanged base first): chr13-32337313-T-TA. GRCh37 (hg19) VCF-style: chr13-32911450-T-TA.
Other names: 3188_3189insA; c.2960dupA (NM_000059.3); short protein forms N987fs.
Identifiers: ClinVar variation 266729 (VCV000266729.53), dbSNP rs886040455, ClinGen allele CA10589181.